The following is an entry in ClinVar:

ClinVar aggregate classification (germline): Pathogenic. Review status: criteria provided, multiple submitters, no conflicts (2 of 4 stars). 3 submissions from 3 submitters: Pathogenic (2). 1 of the submissions does not count toward it. Last evaluated 2026-09-10.

Conditions:
PTPN11-related disorder. Also called: PTPN11-Related Disorders.

Allele frequency attached by ClinVar (database versions not stated): gnomAD exomes below 0.00001.
gnomAD v4.1: 1 of 1,614,030 alleles (0.000062%); highest among the groups gnomAD compares: Non-Finnish European, 0.000085%; no homozygotes.

Submissions (3):

GeneDx
Classification: Pathogenic. Last evaluated: 2026-09-10. Review status: criteria provided, single submitter. Criteria: GeneDx Variant Classification Process June 2021. Collection method: clinical testing. Allele origin: germline.
Comment: Nonsense variant predicted to result in protein truncation or nonsense mediated decay in a gene for which loss of function is a known mechanism of disease; Not observed at significant frequency in large population cohorts (gnomAD); Has not been previously published as pathogenic or benign to our knowledge

Blueprint Genetics
Classification: Pathogenic for PTPN11-related disorders. Last evaluated: 2021-01-19. Review status: criteria provided, single submitter. Criteria: ACMG Guidelines, 2015. Collection method: clinical testing. Allele origin: germline. Affected: yes. Observed: 2 variant alleles.

PreventionGenetics, part of Exact Sciences
Classification: Likely pathogenic for PTPN11-related condition. Last evaluated: 2024-06-12. Review status: no assertion criteria provided. Collection method: clinical testing. Allele origin: germline. Not counted in ClinVar's aggregate classification.
Comment: The PTPN11 c.1051C>T variant is predicted to result in premature protein termination (p.Arg351*). To our knowledge, this variant has not been reported in the literature or in a large population database, indicating this variant is rare. Nonsense variants in PTPN11 are expected to be pathogenic. This variant is interpreted as likely pathogenic.

NM_002834.5(PTPN11):c.1051C>T (p.Arg351Ter)

Gene: PTPN11 (protein tyrosine phosphatase non-receptor type 11; plus strand). Cytogenetic location: 12q24.13.
Variant type: single nucleotide variant.
Coding change: c.1051C>T on transcript NM_002834.5 (MANE Select); coding-DNA position 1051, C replaced by T.
Protein change: p.Arg351Ter; replaces arginine 351 with a stop codon.
Molecular consequence: nonsense.
Genome position (GRCh38, 1-based): chr12:112,477,974, C>T. VCF-style: chr12-112477974-C-T. GRCh37 (hg19) VCF-style: chr12-112915778-C-T.
Other names: c.1051C>T (NM_002834.4); c.1051C>T, p.Arg351Ter (NM_001330437.2, NM_080601.3); c.1048C>T, p.Arg350Ter (NM_001374625.1); short protein forms R351*, R350*.
Identifiers: ClinVar variation 372552 (VCV000372552.4), dbSNP rs923052172, ClinGen allele CA16042873.